The following is an entry in ClinVar:

NC_012920.1(MT-CO1):m.6075G>A

Gene: MT-CO1 (mitochondrially encoded cytochrome c oxidase I; plus strand).
Variant type: single nucleotide variant.
Genome position: chrM-6075-G-A.
Identifiers: ClinVar variation 692616 (VCV000692616.1), dbSNP rs1603220260, ClinGen allele CA414781551.
Genomic context (GRCh38, chrMT:6,075, plus strand): 5'-CGAGCCGAGCTGGGCCAGCCAGGCAACCTTCTAGGTAACGACCACATCTACAACGTTATC[G>A]TCACAGCCCATGCATTTGTAATAATCTTCTTCATAGTAATACCCATCATAATCGGAGGCT-3'

ClinVar aggregate classification (germline): Uncertain significance (1 of 4 stars; one submission).

Conditions:
Leigh syndrome (NULS). Also called: Leigh's necrotizing encephalopathy; Leigh's disease; Leigh Syndrome (mtDNA deletion); Leigh Disease; Subacute necrotizing encephalopathy; Necrotizing encephalopathy infantile subacute of Leigh. Identifiers: Orphanet 506, MedGen C2931891, MONDO:0009723, OMIM 256000.

Submission:

Wong Mito Lab, Molecular and Human Genetics, Baylor College of Medicine
Classification: Uncertain significance for Leigh syndrome. Last evaluated: 2019-10-17. Review status: criteria provided, single submitter. Criteria: Modified ACMG Guidelines (Unpublished). Collection method: clinical testing. Allele origin: germline.
Comment: The NC_012920.1:m.6075G>A (YP_003024028.1:p.Val58Ile) variant in MTCO1 gene is interpretated to be a Uncertain Significance variant based on the modified ACMG guidelines (unpublished). This variant meets the following evidence codes: BP4, PP6, PP7